The following is an entry in ClinVar:

ClinVar aggregate classification (germline): Benign/Likely benign. Review status: criteria provided, multiple submitters, no conflicts (2 of 4 stars). 5 submissions from 5 submitters: Benign (2); Likely benign (3). Last evaluated 2026-08-01.

Allele frequency attached by ClinVar (database versions not stated): 1000 Genomes Project 0.00060; 1000 Genomes Project 30x 0.00062; gnomAD exomes 0.00253; TOPMed 0.00271; ExAC 0.00296; gnomAD 0.00314 and 0.00322; ESP Exome Variant Server 0.00323.
gnomAD v4.1: 4,848 of 1,612,698 alleles (0.3%); highest among the groups gnomAD compares: Non-Finnish European, 0.36%; 10 homozygotes.

Submissions (5):

CeGaT Center for Human Genetics Tuebingen
Classification: Likely benign. Last evaluated: 2026-08-01. Review status: criteria provided, single submitter. Criteria: CeGaT Center For Human Genetics Tuebingen Variant Classification Criteria Version 2. Collection method: clinical testing. Allele origin: germline. Affected: yes. Observed: 39 variant alleles.
Comment: LAMA1: BP4, BP7

Labcorp Genetics (formerly Invitae), Labcorp
Classification: Benign. Last evaluated: 2026-01-19. Review status: criteria provided, single submitter. Criteria: Invitae Variant Classification Sherloc (09022015). Collection method: clinical testing. Allele origin: germline.

Mayo Clinic Laboratories, Mayo Clinic
Classification: Likely benign. Last evaluated: 2025-09-26. Review status: criteria provided, single submitter. Criteria: ACMG Guidelines, 2015. Collection method: clinical testing. Allele origin: germline. Observed: 5 variant alleles.
Comment: BS1, BP4, BP7

Blueprint Genetics
Classification: Likely benign. Last evaluated: 2024-11-27. Review status: criteria provided, single submitter. Criteria: ACMG Guidelines, 2015. Collection method: clinical testing. Allele origin: germline.

Breakthrough Genomics
Classification: Benign. Review status: criteria provided, single submitter. Criteria: ACMG Guidelines, 2015. Collection method: not provided. Allele origin: germline. Inheritance: Autosomal recessive inheritance. Affected: yes.

NM_005559.4(LAMA1):c.3294G>A (p.Ser1098=)

Gene: LAMA1 (laminin subunit alpha 1; minus strand). Cytogenetic location: 18p11.31.
Variant type: single nucleotide variant.
Coding change: c.3294G>A on transcript NM_005559.4 (MANE Select); coding-DNA position 3294, G replaced by A.
Protein change: p.Ser1098=; no amino-acid change (serine 1098 retained).
Molecular consequence: synonymous variant.
Genome position (GRCh38, 1-based): chr18:7,013,884, C>T on the plus strand (G>A on the coding strand, the complement: LAMA1 is on the minus strand). VCF-style: chr18-7013884-C-T. GRCh37 (hg19) VCF-style: chr18-7013883-C-T.
Other names: p.Ser1098=.
Identifiers: ClinVar variation 778148 (VCV000778148.38), dbSNP rs149157836, ClinGen allele CA8882338.